The following is an entry in ClinVar:

ClinVar aggregate classification (germline): Pathogenic. Review status: reviewed by expert panel (3 of 4 stars). 4 submissions from 3 submitters: Pathogenic (1). 3 of the submissions do not count toward it. Last evaluated 2025-09-05.

Conditions:
Retinal dystrophy. Also called: Inherited retinal dystrophy. Identifiers: Orphanet 71862, MedGen C0854723, MeSH D058499, MONDO:0019118, HP:0000556.
Retinitis pigmentosa 3. Also called: CHOROIDORETINAL DEGENERATION WITH RETINAL REFLEX IN HETEROZYGOUS WOMEN. Identifiers: Orphanet 791, MedGen C1845667, MONDO:0010227, OMIM 300029.
RPGR-related retinopathy. Also called: RPGR retinopathy. Identifiers: MedGen CN305589, MONDO:0100437.

Submissions (4):

ClinGen X-linked Inherited Retinal Disease Variant Curation Expert Panel, ClinGen
Classification: Pathogenic for RPGR-related retinopathy. Last evaluated: 2025-09-05. Review status: reviewed by expert panel. Criteria: ClinGen X LinkedIRD ACMG Specifications RPGR V1.0.0. Collection method: curation. Allele origin: germline. Inheritance: X-linked inheritance.
Comment: NM_001034853.2(RPGR):c.2517_2518del (p.Glu841GlyfsTer?) is a frameshift variant due to deletion of 2 nucleotides and introduces a premature stop codon after 237 amino acids that is predicted to disrupt a critical C-terminal region required for proper glutamylation of RPGR (PVS1, PMID: 36445968). This variant is absent from gnomAD v4.1.0 (PM2_Supporting). The variant has been reported to segregate with retinal dystrophy through at least 3 affected meioses from 1 family (PP1_Moderate; PMID: 21857984). At least one proband harboring this variant exhibits a phenotype including a family history consistent with X-linked inheritance (2 pts), childhood-onset (1 pt), rod involvement relatively greater than cone (1 pt), and visual field constriction (0.5 pts), which together are specific for RPGR-related retinopathy (4.5 points, PMID: 21857984, PP4). This variant has been reported in at least 1 proband meeting one of the PS4 requirements of a male with some functional vision impairment by age 30 years and/or decreased or absent electroretinogram responses, or a female with functional visual abnormality and documentation of a male relative affected with retinitis pigmentosa, as well as a second apparently unrelated proband previously used for the PP4 code (PMID: 36017691, PS4_Supporting). This variant has been reported in other apparently unrelated probands (PMID: 23372056, PMID: 34985506, and PMID: 14564670), however, the individuals did not meet one of the PS4 requirements. In summary, this variant is classified as pathogenic for RPGR-related retinopathy based on the ClinGen X-linked Inherited Retinal Disease Expert Panel Specifications to the ACMG/AMP Variant Interpretation Guidelines for RPGR Version 1.0.0; PVS1, PS4_Supporting, PM2_Supporting, PP1_Moderate, and PP4.

Blueprint Genetics
Classification: Pathogenic for Retinal dystrophy. Last evaluated: 2019-01-18. Review status: criteria provided, single submitter. Criteria: Blueprint Genetics Variant Classification Scheme. Collection method: clinical testing. Allele origin: germline. Affected: yes. Not counted in ClinVar's aggregate classification.

PreventionGenetics, part of Exact Sciences
Classification: Pathogenic. Last evaluated: 2013-08-09. Review status: criteria provided, single submitter. Criteria: ACMG Guidelines, 2015. Collection method: clinical testing. Allele origin: germline. Not counted in ClinVar's aggregate classification.

Blueprint Genetics
Classification: Pathogenic for Retinitis pigmentosa 3. Review status: no assertion criteria provided. Collection method: clinical testing. Allele origin: germline. Affected: yes. Not counted in ClinVar's aggregate classification.

NM_001034853.2(RPGR):c.2517_2518del (p.Glu841fs)

Gene: RPGR (retinitis pigmentosa GTPase regulator; minus strand). Cytogenetic location: Xp11.4.
Variant type: Deletion.
Coding change: c.2517_2518del on transcript NM_001034853.2 (MANE Select); coding-DNA positions 2517 to 2518, 2 bases deleted (AG; older notation c.2517_2518delAG).
Protein change: p.Glu841fs; shifts the reading frame from glutamic acid 841.
Molecular consequence: frameshift variant. On other transcripts: intron variant (8).
Genome position (GRCh38, 1-based): chrX:38,286,481-38,286,482, CT deleted on the plus strand (AG on the coding strand, the reverse complement: RPGR is on the minus strand). VCF-style (leftmost placement, unchanged base first): chrX-38286480-CCT-C. GRCh37 (hg19) VCF-style: chrX-38145733-CCT-C.
Other names: NM_001034853.2(RPGR):c.2517_2518del; p.Glu841fs; c.1569+4477_1569+4478del (NM_001367249.1, NM_001367250.1); c.1902+612_1902+613del (NM_001367245.1); c.1386+4477_1386+4478del (NM_001367251.1); c.1719+612_1719+613del (NM_001367246.1); c.1572+4477_1572+4478del (NM_001367247.1); c.1905+612_1905+613del (NM_000328.3); and 1 more; short protein forms E841fs.
Identifiers: ClinVar variation 867074 (VCV000867074.5), dbSNP rs1373833359, ClinGen allele CA875126160.
Genomic context (GRCh38, chrX:38,286,480, plus strand): 5'-TCCTCCCCTTTCCCTTCTCCTTCCTCCTCTTCCCCCTCCCCTTCCTCCTCTTCCCCCTCC[CCT>C]TCCTCCTCTTCCCCCTCACCCTCCTCCTCTTCCTCTTCCCTCTCTCCTTTCCCCTCCTCT-3'